The following is an entry in ClinVar:

ClinVar aggregate classification (germline): Conflicting classifications of pathogenicity. Review status: criteria provided, conflicting classifications (1 of 4 stars). 12 submissions from 11 submitters: Uncertain significance (1); Benign (3); Likely benign (8). Last evaluated 2026-09-01.

Conditions:
MYH9-related disorder. Identifiers: MedGen C1854520.
Autosomal dominant nonsyndromic hearing loss 17. Also called: Autosomal dominant nonsyndromic deafness 17; Deafness, autosomal dominant 17. Identifiers: Orphanet 90635, MedGen C1863659, MONDO:0011350, OMIM 603622.

Allele frequency attached by ClinVar (database versions not stated): ExAC 0.00036; 1000 Genomes Project 0.00040; gnomAD 0.00041 and 0.00044; 1000 Genomes Project 30x 0.00047; TOPMed 0.00052; ESP Exome Variant Server 0.00077.
gnomAD v4.1: 1,155 of 1,614,114 alleles (0.072%); highest among the groups gnomAD compares: Middle Eastern, 0.099%; 3 homozygotes.

Submissions (12):

CeGaT Center for Human Genetics Tuebingen
Classification: Likely benign. Last evaluated: 2026-09-01. Review status: criteria provided, single submitter. Criteria: CeGaT Center For Human Genetics Tuebingen Variant Classification Criteria Version 2. Collection method: clinical testing. Allele origin: germline. Affected: yes. Observed: 3 variant alleles.
Comment: MYH9: BP4, BP7

Labcorp Genetics (formerly Invitae), Labcorp
Classification: Benign. Last evaluated: 2026-01-07. Review status: criteria provided, single submitter. Criteria: Invitae Variant Classification Sherloc (09022015). Collection method: clinical testing. Allele origin: germline.

Women's Health and Genetics/Laboratory Corporation of America, LabCorp
Classification: Likely benign. Last evaluated: 2025-05-05. Review status: criteria provided, single submitter. Criteria: LabCorp Variant Classification Summary - May 2015. Collection method: clinical testing. Allele origin: germline.

Blueprint Genetics
Classification: Likely benign. Last evaluated: 2024-11-08. Review status: criteria provided, single submitter. Criteria: ACMG Guidelines, 2015. Collection method: clinical testing. Allele origin: germline.

ARUP Laboratories, Molecular Genetics and Genomics, ARUP Laboratories
Classification: Likely benign. Last evaluated: 2023-12-13. Review status: criteria provided, single submitter. Criteria: ARUP Molecular Germline Variant Investigation Process 2024. Collection method: clinical testing. Allele origin: germline.

GeneDx
Classification: Likely benign. Last evaluated: 2020-08-03. Review status: criteria provided, single submitter. Criteria: GeneDx Variant Classification Process June 2021. Collection method: clinical testing. Allele origin: germline. Affected: yes.

Athena Diagnostics
Classification: Benign. Last evaluated: 2019-07-10. Review status: criteria provided, single submitter. Criteria: Athena Diagnostics Criteria. Collection method: clinical testing. Allele origin: germline.

Illumina Laboratory Services, Illumina
Classification: Benign for MYH9-related disorder. Last evaluated: 2018-01-13. Review status: criteria provided, single submitter. Criteria: ICSL Variant Classification Criteria 13 December 2019. Collection method: clinical testing. Allele origin: germline.
Comment: This variant was observed in the ICSL laboratory as part of a predisposition screen in an ostensibly healthy population. It had not been previously curated by ICSL or reported in the Human Gene Mutation Database (HGMD: prior to June 1st, 2018), and was therefore a candidate for classification through an automated scoring system. Utilizing variant allele frequency, disease prevalence and penetrance estimates, and inheritance mode, an automated score was calculated to assess if this variant is too frequent to cause the disease. Based on the score and internal cut-off values, a variant classified as benign is not then subjected to further curation. The score for this variant resulted in a classification of benign for this disease.

Illumina Laboratory Services, Illumina
Classification: Likely benign for Autosomal dominant nonsyndromic hearing loss 17. Last evaluated: 2018-01-13. Review status: criteria provided, single submitter. Criteria: ICSL Variant Classification Criteria 13 December 2019. Collection method: clinical testing. Allele origin: germline.
Comment: This variant was observed in the ICSL laboratory as part of a predisposition screen in an ostensibly healthy population. It had not been previously curated by ICSL or reported in the Human Gene Mutation Database (HGMD: prior to June 1st, 2018), and was therefore a candidate for classification through an automated scoring system. Utilizing variant allele frequency, disease prevalence and penetrance estimates, and inheritance mode, an automated score was calculated to assess if this variant is too frequent to cause the disease. Based on the score and internal cut-off values, a variant classified as likely benign is not then subjected to further curation. The score for this variant resulted in a classification of likely benign for this disease.

Eurofins Ntd Llc (ga)
Classification: Uncertain significance. Last evaluated: 2015-05-18. Review status: criteria provided, single submitter. Criteria: EGL Classification Definitions 2015. Collection method: clinical testing. Allele origin: germline. Observed: 1 variant allele, 1 heterozygote.

Laboratory for Molecular Medicine, Mass General Brigham Personalized Medicine
Classification: Likely benign. Last evaluated: 2012-04-30. Review status: criteria provided, single submitter. Criteria: LMM Criteria. Collection method: clinical testing. Allele origin: germline. Observed: 3 variant alleles.
Comment: Ile1626Ile in Exon 34 of MYH9: This variant is not expected to have clinical sig nificance because it does not alter an amino acid residue, is not located within the splice consensus sequence, and has been identified in 0.1% (7/7020) of Euro pean American chromosomes from a broad population by the NHLBI Exome Sequencing Project (dbSNP rs143947828).

PreventionGenetics, part of Exact Sciences
Classification: Likely benign. Review status: criteria provided, single submitter. Criteria: ACMG Guidelines, 2015. Collection method: clinical testing. Allele origin: germline.

NM_002473.6(MYH9):c.4878C>T (p.Ile1626=)

Gene: MYH9 (myosin heavy chain 9; minus strand). Cytogenetic location: 22q12.3.
Variant type: single nucleotide variant.
Coding change: c.4878C>T on transcript NM_002473.6 (MANE Select); coding-DNA position 4878, C replaced by T.
Protein change: p.Ile1626=; no amino-acid change (isoleucine 1626 retained).
Molecular consequence: synonymous variant.
Genome position (GRCh38, 1-based): chr22:36,288,306, G>A on the plus strand (C>T on the coding strand, the complement: MYH9 is on the minus strand). VCF-style: chr22-36288306-G-A. GRCh37 (hg19) VCF-style: chr22-36684352-G-A.
Identifiers: ClinVar variation 178431 (VCV000178431.51), dbSNP rs143947828, ClinGen allele CA182318.
Genomic context (GRCh38, chr22:36,288,306, plus strand): 5'-CCTTACCTGCAGCTTCCGCAGCTGTTTGATGGCTTCGTCCCGGTTCTTGTTGGCCGAGTC[G>A]ATGTGCGCCTCCAGGTCCTTCAGGTCCATCTCCAGCTTCTTCCGGGCGGCCACTGCCATC-3'
Protein context (NP_002464.1, residues 1616-1636): EMDLKDLEAH[Ile1626=]DSANKNRDEA